The following is an entry in ClinVar:

ClinVar aggregate classification (germline): Pathogenic (1 of 4 stars; one submission).

Conditions:
Alagille syndrome due to a JAG1 point mutation. Also called: JAG1-Related Alagille Syndrome; HEPATIC DUCTULAR HYPOPLASIA, SYNDROMATIC; Alagille Syndrome 1. Identifiers: Orphanet 261619, Orphanet 52, MedGen C1956125, MONDO:0016862, OMIM 118450.

Submission:

Labcorp Genetics (formerly Invitae), Labcorp
Classification: Pathogenic for Alagille syndrome due to a JAG1 point mutation. Last evaluated: 2024-11-03. Review status: criteria provided, single submitter. Criteria: Invitae Variant Classification Sherloc (09022015). Collection method: clinical testing. Allele origin: germline.
Comment: This sequence change creates a premature translational stop signal (p.Cys447Valfs*3) in the JAG1 gene. It is expected to result in an absent or disrupted protein product. Loss-of-function variants in JAG1 are known to be pathogenic (PMID: 11180599). This variant is not present in population databases (gnomAD no frequency). This variant has not been reported in the literature in individuals affected with JAG1-related conditions. For these reasons, this variant has been classified as Pathogenic.

Literature cited by the submitters: PubMed 11180599.

NM_000214.3(JAG1):c.1339del (p.Cys447fs)

Gene: JAG1 (jagged canonical Notch ligand 1; minus strand). Cytogenetic location: 20p12.2.
Variant type: Deletion.
Coding change: c.1339del on transcript NM_000214.3 (MANE Select); coding-DNA position 1339, one base deleted (T; older notation c.1339delT).
Protein change: p.Cys447fs; shifts the reading frame from cysteine 447.
Molecular consequence: frameshift variant.
Genome position (GRCh38, 1-based): chr20:10,649,531, A deleted on the plus strand (T on the coding strand, the reverse complement: JAG1 is on the minus strand); the first of 2 consecutive A bases (chr20:10,649,531-10,649,532); deleting either gives the same sequence. VCF-style (leftmost placement, unchanged base first): chr20-10649530-CA-C. GRCh37 (hg19) VCF-style: chr20-10630178-CA-C.
Other names: short protein forms C447fs.
Identifiers: ClinVar variation 3724565 (VCV003724565.2).